The following is an entry in ClinVar:

ClinVar aggregate classification (germline): Likely benign. Review status: criteria provided, multiple submitters, no conflicts (2 of 4 stars). 2 submissions from 2 submitters: Likely benign (2). Last evaluated 2025-07-18.

Conditions:
Progressive familial heart block type IB (PFHB1B). Identifiers: Orphanet 871, MedGen C1970298, MONDO:0011474, OMIM 604559.

Allele frequency attached by ClinVar (database versions not stated): TOPMed below 0.00001; gnomAD exomes 0.00001 and 0.00002; ExAC 0.00002.
gnomAD v4.1: 6 of 1,613,790 alleles (0.00037%); highest among the groups gnomAD compares: Non-Finnish European, 0.00042%; no homozygotes.

Submissions (2):

Labcorp Genetics (formerly Invitae), Labcorp
Classification: Likely benign for Progressive familial heart block type IB. Last evaluated: 2025-07-18. Review status: criteria provided, single submitter. Criteria: Invitae Variant Classification Sherloc (09022015). Collection method: clinical testing. Allele origin: germline.

GeneDx
Classification: Likely benign. Last evaluated: 2018-05-03. Review status: criteria provided, single submitter. Criteria: GeneDx Variant Classification (06012015). Collection method: clinical testing. Allele origin: germline. Affected: yes.
Comment: This variant is considered likely benign or benign based on one or more of the following criteria: it is a conservative change, it occurs at a poorly conserved position in the protein, it is predicted to be benign by multiple in silico algorithms, and/or has population frequency not consistent with disease.

NM_017636.4(TRPM4):c.2210+10G>T

Gene: TRPM4 (transient receptor potential cation channel subfamily M member 4; plus strand). Cytogenetic location: 19q13.33.
Variant type: single nucleotide variant.
Coding change: c.2210+10G>T on transcript NM_017636.4 (MANE Select); 10 bases into the intron after coding-DNA position 2210, G replaced by T.
Molecular consequence: intron variant.
Genome position (GRCh38, 1-based): chr19:49,190,783, G>T. VCF-style: chr19-49190783-G-T. GRCh37 (hg19) VCF-style: chr19-49694040-G-T.
Other names: c.2210+10G>T (NM_001195227.2); c.602+10G>T (NM_001321282.2); c.1865+10G>T (NM_001321281.2); c.1688+10G>T (NM_001321283.2); c.1148+10G>T (NM_001321285.2).
Identifiers: ClinVar variation 682457 (VCV000682457.7), dbSNP rs773312067, ClinGen allele CA9569479.